The following is an entry in ClinVar:

ClinVar aggregate classification (germline): Uncertain significance (1 of 4 stars; one submission).

Conditions:
Charcot-Marie-Tooth disease axonal type 2O. Also called: CHARCOT-MARIE-TOOTH NEUROPATHY, AXONAL, TYPE 2O; CHARCOT-MARIE-TOOTH DISEASE, AXONAL, AUTOSOMAL DOMINANT, TYPE 2O; Charcot-Marie-Tooth disease, axonal, type 20; Charcot-Marie-Tooth Neuropathy Type 2O. Identifiers: Orphanet 284232, MedGen C3280220, MONDO:0013644, OMIM 614228.

Allele frequency attached by ClinVar (database versions not stated): gnomAD exomes below 0.00001; ExAC 0.00001.
gnomAD v4.1: 3 of 1,614,142 alleles (0.00019%); highest among the groups gnomAD compares: African/African-American, 0.0013%; no homozygotes.

Submission:

Labcorp Genetics (formerly Invitae), Labcorp
Classification: Uncertain significance for Charcot-Marie-Tooth disease axonal type 2O. Last evaluated: 2022-09-01. Review status: criteria provided, single submitter. Criteria: Invitae Variant Classification Sherloc (09022015). Collection method: clinical testing. Allele origin: germline.
Comment: In summary, the available evidence is currently insufficient to determine the role of this variant in disease. Therefore, it has been classified as a Variant of Uncertain Significance. Variants that disrupt the consensus splice site are a relatively common cause of aberrant splicing (PMID: 17576681, 9536098). Algorithms developed to predict the effect of sequence changes on RNA splicing suggest that this variant is not likely to affect RNA splicing. ClinVar contains an entry for this variant (Variation ID: 842996). This variant has not been reported in the literature in individuals affected with DYNC1H1-related conditions. This variant is present in population databases (rs113172372, gnomAD 0.0009%). This sequence change falls in intron 17 of the DYNC1H1 gene. It does not directly change the encoded amino acid sequence of the DYNC1H1 protein. It affects a nucleotide within the consensus splice site.

Literature cited by the submitters: PubMed 17576681; PubMed 9536098.

NM_001376.5(DYNC1H1):c.3961-3C>T

Gene: DYNC1H1 (dynein cytoplasmic 1 heavy chain 1; plus strand). Cytogenetic location: 14q32.31.
Variant type: single nucleotide variant.
Coding change: c.3961-3C>T on transcript NM_001376.5 (MANE Select); 3 bases into the intron before coding-DNA position 3961, C replaced by T.
Molecular consequence: intron variant.
Genome position (GRCh38, 1-based): chr14:102,000,283, C>T. VCF-style: chr14-102000283-C-T. GRCh37 (hg19) VCF-style: chr14-102466620-C-T.
Identifiers: ClinVar variation 842996 (VCV000842996.7), dbSNP rs113172372, ClinGen allele CA7352144.
Genomic context (GRCh38, chr14:102,000,283, plus strand): 5'-CCTGCCAGATTCTGGGGTGATTTCTATTTCCAAAGTCAACTGCTTTACTATTCTCAATCG[C>T]AGGTGGCCTTAGAAGAATTACAGGACCTCAAAGGCGTTTGGTCAGAACTTTCTAAGGTTT-3'